The following is an entry in ClinVar:

NM_020937.4(FANCM):c.1384A>C (p.Lys462Gln)

Gene: FANCM (FA complementation group M; plus strand). Cytogenetic location: 14q21.2.
Variant type: single nucleotide variant.
Coding change: c.1384A>C on transcript NM_020937.4 (MANE Select); coding-DNA position 1384, A replaced by C.
Protein change: p.Lys462Gln; replaces lysine 462 with glutamine.
Molecular consequence: missense variant.
Genome position (GRCh38, 1-based): chr14:45,155,447, A>C. VCF-style: chr14-45155447-A-C. GRCh37 (hg19) VCF-style: chr14-45624650-A-C.
Other names: c.1306A>C, p.Lys436Gln (NM_001308133.2); c.1384A>C, p.Lys462Gln (NM_001308134.2); short protein forms K436Q, K462Q.
Identifiers: ClinVar variation 1311209 (VCV001311209.4), dbSNP rs2139174041, ClinGen allele CA389592315.
Genomic context (GRCh38, chr14:45,155,447, plus strand): 5'-AAATTTGTTTATAGTCATCCAAAGTTAAAGAAATTAGAAGAAGTTGTAATTGAACACTTC[A>C]AGTCATGGAATGGTAGGTCATATTTAGTAGCTTTAAGGCAAGACAAAGTTATTGCAAGAG-3'
Protein context (NP_065988.1, residues 452-472): KLEEVVIEHF[Lys462Gln]SWNAENTTEK

ClinVar aggregate classification (germline): Uncertain significance. Review status: criteria provided, multiple submitters, no conflicts (2 of 4 stars). 2 submissions from 2 submitters: Uncertain significance (2). Last evaluated 2025-03-31.

Conditions:
Inborn genetic diseases. Identifiers: MedGen C0950123, MeSH D030342.

Submissions (2):

Ambry Genetics
Classification: Uncertain significance for Inborn genetic diseases. Last evaluated: 2025-03-31. Review status: criteria provided, single submitter. Criteria: Ambry Variant Classification Scheme 2023. Collection method: clinical testing. Allele origin: germline.
Comment: The p.K462Q variant (also known as c.1384A>C), located in coding exon 8 of the FANCM gene, results from an A to C substitution at nucleotide position 1384. The lysine at codon 462 is replaced by glutamine, an amino acid with similar properties. This amino acid position is conserved. In addition, this alteration is predicted to be tolerated by in silico analysis. Based on the available evidence, the clinical significance of this variant remains unclear.

GeneDx
Classification: Uncertain significance. Last evaluated: 2019-12-12. Review status: criteria provided, single submitter. Criteria: GeneDx Variant Classification Process June 2021. Collection method: clinical testing. Allele origin: germline. Affected: yes.
Comment: Not observed in large population cohorts (Lek et al., 2016); In silico analysis, which includes protein predictors and evolutionary conservation, supports that this variant does not alter protein structure/function; Has not been previously published as pathogenic or benign to our knowledge